The following is an entry in ClinVar:

ClinVar aggregate classification (germline): Uncertain significance (1 of 4 stars; one submission).

Submission:

Ambry Genetics
Classification: Uncertain significance. Last evaluated: 2023-07-05. Review status: criteria provided, single submitter. Criteria: Ambry Variant Classification Scheme 2023. Collection method: clinical testing. Allele origin: germline.
Comment: The p.D526Y variant (also known as c.1576G>T), located in coding exon 8 of the PALLD gene, results from a G to T substitution at nucleotide position 1576. The aspartic acid at codon 526 is replaced by tyrosine, an amino acid with highly dissimilar properties. This amino acid position is conserved. In addition, this alteration is predicted to be tolerated by in silico analysis. Since supporting evidence is limited at this time, the clinical significance of this alteration remains unclear.

NM_001166108.2(PALLD):c.1576G>T (p.Asp526Tyr)

Gene: PALLD (palladin, cytoskeletal associated protein; plus strand). Cytogenetic location: 4q32.3.
Variant type: single nucleotide variant.
Coding change: c.1576G>T on transcript NM_001166108.2 (MANE Select); coding-DNA position 1576, G replaced by T.
Protein change: p.Asp526Tyr; replaces aspartic acid 526 with tyrosine.
Molecular consequence: missense variant.
Genome position (GRCh38, 1-based): chr4:168,709,102, G>T. VCF-style: chr4-168709102-G-T. GRCh37 (hg19) VCF-style: chr4-169630253-G-T.
Other names: c.430G>T, p.Asp144Tyr (NM_001166109.2); c.1576G>T, p.Asp526Tyr (NM_016081.4); short protein forms D526Y, D144Y.
Identifiers: ClinVar variation 2625549 (VCV002625549.2), dbSNP rs2531819010, ClinGen allele CA358797525.